The following is an entry in ClinVar:

ClinVar aggregate classification (germline): Likely benign. Review status: criteria provided, multiple submitters, no conflicts (2 of 4 stars). 3 submissions from 3 submitters: Likely benign (3). Last evaluated 2025-02-01.

Allele frequency attached by ClinVar (database versions not stated): ESP Exome Variant Server 0.00046; gnomAD 0.00062 and 0.00087; gnomAD exomes 0.00072 and 0.00123; TOPMed 0.00082; 1000 Genomes Project 30x 0.00109; ExAC 0.00116; 1000 Genomes Project 0.00120.
gnomAD v4.1: 1,232 of 1,613,834 alleles (0.076%); highest among the groups gnomAD compares: Middle Eastern, 0.84%; 12 homozygotes.

Submissions (3):

CeGaT Center for Human Genetics Tuebingen
Classification: Likely benign. Last evaluated: 2025-02-01. Review status: criteria provided, single submitter. Criteria: CeGaT Center For Human Genetics Tuebingen Variant Classification Criteria Version 2. Collection method: clinical testing. Allele origin: germline. Affected: yes. Observed: 2 variant alleles.
Comment: PARP10: BP4, BS2

Labcorp Genetics (formerly Invitae), Labcorp
Classification: Likely benign. Last evaluated: 2018-07-31. Review status: criteria provided, single submitter. Criteria: Invitae Variant Classification Sherloc (09022015). Collection method: clinical testing. Allele origin: germline.

Breakthrough Genomics
Classification: Likely benign. Review status: criteria provided, single submitter. Criteria: ACMG Guidelines, 2015. Collection method: not provided. Allele origin: germline. Inheritance: Unknown mechanism. Affected: yes.

NM_032789.5(PARP10):c.472G>A (p.Gly158Ser)

Gene: PARP10 (poly(ADP-ribose) polymerase family member 10; minus strand). Cytogenetic location: 8q24.3.
Variant type: single nucleotide variant.
Coding change: c.472G>A on transcript NM_032789.5 (MANE Select); coding-DNA position 472, G replaced by A.
Protein change: p.Gly158Ser; replaces glycine 158 with serine.
Molecular consequence: missense variant. On other transcripts: non-coding transcript variant (1).
Genome position (GRCh38, 1-based): chr8:143,985,613, C>T on the plus strand (G>A on the coding strand, the complement: PARP10 is on the minus strand). VCF-style: chr8-143985613-C-T. GRCh37 (hg19) VCF-style: chr8-145059781-C-T.
Other names: c.508G>A, p.Gly170Ser (NM_001317895.2); short protein forms G170S, G158S.
Identifiers: ClinVar variation 736393 (VCV000736393.28), dbSNP rs146902781, ClinGen allele CA4929853.